The following is an entry in ClinVar:

NM_007294.4(BRCA1):c.3756_3759del (p.Ser1253fs)

Genes: BRCA1 (BRCA1 DNA repair associated; minus strand), LOC126862571 (BRD4-independent group 4 enhancer GRCh37_chr17:41243136-41244335; plus strand). Cytogenetic location: 17q21.31.
Variant type: Microsatellite.
Coding change: c.3756_3759del on transcript NM_007294.4 (MANE Select); coding-DNA positions 3756 to 3759, 4 bases deleted (GTCT; older notation c.3756_3759delGTCT).
Protein change: p.Ser1253fs; shifts the reading frame from serine 1253.
Molecular consequence: frameshift variant. On other transcripts: intron variant (135).
Genome position (GRCh38, 1-based): chr17:43,091,772-43,091,775, AGAC deleted on the plus strand (GTCT on the coding strand, the reverse complement: BRCA1 is on the minus strand); deleting any 4 consecutive bases within chr17:43,091,772-43,091,780 gives the same sequence; the c. name uses the placement nearest the transcript's 3' end. VCF-style (leftmost placement, unchanged base first): chr17-43091771-TAGAC-T. GRCh37 (hg19) VCF-style: chr17-41243788-TAGAC-T.
Other names: 3874del4; 3875_3878delGTCT; 3875del4; c.3756_3759del (U14680.1, NM_007300.3); c.3756_3759delGTCT (NM_007294.3, NM_007294.4, NM_007300.3); c.3615_3618del, p.Ser1206fs (NM_001407725.1, NM_001407726.1, NM_001407727.1 and 29 more transcripts); c.3612_3615del, p.Ser1205fs (NM_001407740.1, NM_001407741.1, NM_001407742.1 and 20 more transcripts); c.3543_3546del, p.Ser1182fs (NM_001407853.1, NM_001407894.1, NM_001407895.1 and 9 more transcripts); and 46 more; short protein forms S1253fs, S1206fs, S1141fs, S1205fs, S1212fs, S385fs, S1125fs, S1126fs.
Identifiers: ClinVar variation 17673 (VCV000017673.120), dbSNP rs80357868, ClinGen allele CA002407.

ClinVar aggregate classification (germline): Pathogenic. Review status: reviewed by expert panel (3 of 4 stars). 64 submissions from 60 submitters: Pathogenic (1). 63 of the submissions do not count toward it. Last evaluated 2016-04-22.

Conditions:
BRCA1-related disorder. Also called: BRCA1-related condition.
Pancreatic cancer, susceptibility to, 4. Identifiers: Orphanet 1333, MedGen C3280442, MONDO:0013685, OMIM 614320.
Breast-ovarian cancer, familial, susceptibility to, 1 (BROVCA1). Also called: OVARIAN CANCER, SUSCEPTIBILITY TO; BRCA1 Hereditary Breast and Ovarian Cancer. Identifiers: Orphanet 145, MedGen C2676676, MONDO:0011450, OMIM 604370. Disease mechanism: loss of function.
Fanconi anemia, complementation group S (FANCS). Identifiers: MedGen C4554406, MONDO:0054748, OMIM 617883.
Inherited ovarian cancer (without breast cancer).
Inherited breast cancer and ovarian cancer.
Breast and/or ovarian cancer. Identifiers: MedGen CN221562.
Hereditary cancer-predisposing syndrome. Also called: Neoplastic Syndromes, Hereditary; Tumor predisposition; Hereditary Cancer Syndrome; Hereditary neoplastic syndrome. Identifiers: Orphanet 140162, MedGen C0027672, MeSH D009386, MONDO:0015356.
Hereditary breast ovarian cancer syndrome. Also called: Hereditary breast and ovarian cancer; Breast and ovarian cancer; Hereditary breast and/or ovarian cancer syndrome; Hereditary breast and ovarian cancer syndrome (HBOC); Hereditary breast and ovarian cancer syndrome; BRCA1- and BRCA2-Associated Hereditary Breast and Ovarian Cancer. Identifiers: Orphanet 145, MedGen C0677776, MeSH D061325, MONDO:0003582. Disease mechanism: loss of function.
Ovarian neoplasm. Also called: Ovarian tumor; Neoplasm of ovary; Ovarian Neoplasms. Identifiers: MedGen C0919267, MeSH D010051, MONDO:0021068, HP:0100615.
Familial cancer of breast. Also called: BREAST CANCER, FAMILIAL; Hereditary breast cancer; hereditary breast carcinoma. Identifiers: Orphanet 227535, MedGen C0346153, MONDO:0016419, OMIM 114480. Disease mechanism: loss of function.
Malignant tumor of breast. Also called: Malignant breast neoplasm; Cancer breast. Identifiers: MedGen C0006142, MONDO:0007254. Disease mechanism: loss of function.

Submissions 1 to 9 of 64:

Evidence-based Network for the Interpretation of Germline Mutant Alleles (ENIGMA)
Classification: Pathogenic for Breast-ovarian cancer, familial, susceptibility to, 1. Last evaluated: 2016-04-22. Review status: reviewed by expert panel. Criteria: ENIGMA BRCA1/2 Classification Criteria (2015). Collection method: curation. Allele origin: germline.
Comment: Variant allele predicted to encode a truncated non-functional protein.

Genetics Laboratory, Great Ormond Street Hospital NHS Foundation Trust, North Thames Genomic Laboratory Hub
Classification: Pathogenic for Inherited ovarian cancer (without breast cancer). Last evaluated: 2026-06-23. Review status: criteria provided, single submitter. Criteria: CanVIG BRCA Gene Specific V1.22. Collection method: clinical testing. Allele origin: germline. Affected: yes. Not counted in ClinVar's aggregate classification.
Comment: PS4_very-strong, PM2_supporting, PVS1_very-strong, PM5_strong

Genetics Laboratory, Great Ormond Street Hospital NHS Foundation Trust, North Thames Genomic Laboratory Hub
Classification: Pathogenic for Inherited breast cancer and ovarian cancer. Last evaluated: 2026-06-23. Review status: criteria provided, single submitter. Criteria: CanVIG BRCA Gene Specific V1.22. Collection method: clinical testing. Allele origin: germline. Affected: yes. Not counted in ClinVar's aggregate classification.
Comment: the same text as in the submission from Genetics Laboratory, Great Ormond Street Hospital NHS Foundation Trust, North Thames Genomic Laboratory Hub above.

PreventionGenetics, part of Exact Sciences
Classification: Pathogenic for BRCA1-related condition. Last evaluated: 2026-04-23. Review status: criteria provided, single submitter. Criteria: ACMG Guidelines, 2015. Collection method: clinical testing. Allele origin: germline. Not counted in ClinVar's aggregate classification.
Comment: The BRCA1 c.3756_3759delGTCT variant is predicted to result in a frameshift and premature protein termination (p.Ser1253Argfs*10). This variant is also known as 3874del4, 3875_3878delGTCT, or 3875del4. This variant has been reported in individuals with a personal and/or family history of breast, ovarian, and/or pancreatic cancer (Carter et al. 2018. PubMed ID: 30322717, supplementary table 1; Table S1, Chan et al. 2018. PubMed ID: 30093976; George et al. 2013. PubMed ID: 23633455; Zhang et al. 2011. PubMed ID: 21324516; Ghiorzo et al. 2012. PubMed ID: 21989927). This variant is reported in 0.0044% of alleles in individuals of European (Non-Finnish) descent in gnomAD. This variant is listed in ClinVar as pathogenic (Variation ID: 17673). Frameshift variants in BRCA1 are expected to be pathogenic. This variant is interpreted as pathogenic.

Labcorp Genetics (formerly Invitae), Labcorp
Classification: Pathogenic for Hereditary breast ovarian cancer syndrome. Last evaluated: 2026-01-11. Review status: criteria provided, single submitter. Criteria: Invitae Variant Classification Sherloc (09022015). Collection method: clinical testing. Allele origin: germline. Not counted in ClinVar's aggregate classification.
Comment: This sequence change creates a premature translational stop signal (p.Ser1253Argfs*10) in the BRCA1 gene. It is expected to result in an absent or disrupted protein product. Loss-of-function variants in BRCA1 are known to be pathogenic (PMID: 20104584). This variant is present in population databases (rs80357868, gnomAD 0.003%). This premature translational stop signal has been observed in individual(s) with breast cancer, ovarian cancer, and/or pancreatic cancer (PMID: 7894491, 21324516, 21989927, 23633455). This variant is also known as 3875del4. ClinVar contains an entry for this variant (Variation ID: 17673). For these reasons, this variant has been classified as Pathogenic.

Center for Genomic Medicine, Rigshospitalet, Copenhagen University Hospital
Classification: Pathogenic. Last evaluated: 2025-12-29. Review status: criteria provided, single submitter. Criteria: ACMG Guidelines, 2015. Collection method: clinical testing. Allele origin: germline. Not counted in ClinVar's aggregate classification.
Comment: Classification criteria: PVS1, PM5_Strong

Color Diagnostics, LLC DBA Color Health
Classification: Pathogenic for Hereditary cancer-predisposing syndrome. Last evaluated: 2025-12-15. Review status: criteria provided, single submitter. Criteria: ACMG Guidelines, 2015. Collection method: clinical testing. Allele origin: germline. Not counted in ClinVar's aggregate classification.
Comment: This variant deletes 4 nucleotides in exon 10 of the BRCA1 gene, creating a frameshift and premature translation stop signal. This variant is also known as 3875_3878delGTCT, 3875del4, 3875delGTCT in the literature based on the BIC nomenclature. This variant is expected to result in an absent or non-functional protein product. This variant has been observed in multiple individuals affected with breast and ovarian cancer (PMID: 16168118, 21324516, 21989927, 22711857, 23633455) and pancreatic cancer (PMID: 21989927), and has been described as a common hereditary breast-ovarian cancer founder mutation in the French-Canadian population (PMID: 23199084). A breast cancer case-control meta-analysis reported this variant in 15/60451 cases and 2/53459 unaffected individuals with OR=6.633 (95%CI 1.517 to 29.005) (PMID: 33471991Leiden Open Variation Database DB-ID BRCA1_000278). Multifactorial analysis reached a combined likelihood ratio (LR) of 7.657E+20 based on breast cancer case-control data and personal and family history for 44 carriers (PMID: 31853058, 40413188). This variant has been identified in 6/251272 chromosomes in the general population by the Genome Aggregation Database (gnomAD). Loss of BRCA1 function is a known mechanism of disease. Based on the available evidence, this variant is classified as Pathogenic.

Dasa
Classification: Pathogenic for Breast-ovarian cancer, familial, susceptibility to, 1. Last evaluated: 2025-12-10. Review status: criteria provided, single submitter. Criteria: DASA Assertion Criteria. Collection method: clinical testing. Allele origin: germline. Not counted in ClinVar's aggregate classification.
Comment: NM_007294.4(BRCA1):c.3756_3759del (p.Ser1253ArgfsTer10) is a frameshift variant in BRCA1 predicted to alter the reading frame and introduce a premature termination codon and is predicted to result in an absent or altered protein product. Loss of function is an established disease mechanism for BRCA1 (PMID: 32375709; PMID: 21989022; PMID: 11802209). The affected residue or protein region has prior evidence supporting clinical relevance. Also, this variant is rare in population databases. Based on the currently available evidence, this variant is classified as pathogenic.

KCCC/NGS Laboratory, Kuwait Cancer Control Center
Classification: Pathogenic for Breast-ovarian cancer, familial, susceptibility to, 1. Last evaluated: 2025-12-01. Review status: criteria provided, single submitter. Criteria: ACMG Guidelines, 2015. Collection method: clinical testing. Allele origin: germline. Inheritance: Autosomal dominant inheritance. Affected: yes. Not counted in ClinVar's aggregate classification.
Comment: A known pathogenic mutation